The following is an entry in ClinVar:

NM_006593.4(TBR1):c.94C>A (p.Leu32Ile)

Gene: TBR1 (T-box brain transcription factor 1; plus strand). Cytogenetic location: 2q24.2.
Variant type: single nucleotide variant.
Coding change: c.94C>A on transcript NM_006593.4 (MANE Select); coding-DNA position 94, C replaced by A.
Protein change: p.Leu32Ile; replaces leucine 32 with isoleucine.
Molecular consequence: missense variant.
Genome position (GRCh38, 1-based): chr2:161,416,504, C>A. VCF-style: chr2-161416504-C-A. GRCh37 (hg19) VCF-style: chr2-162273015-C-A.
Other names: short protein forms L32I.
Identifiers: ClinVar variation 2582983 (VCV002582983.25), dbSNP rs757264763, ClinGen allele CA1930727.
Genomic context (GRCh38, chr2:161,416,504, plus strand): 5'-ATGCTCTCCAAGAAATTTCTCAATGTGAGCAGCAGCTACCCACATTCAGGCGGATCCGAG[C>A]TTGTCTTGCACGATCATCCCATTATCTCGACCACTGACAACCTGGAGAGAAGTTCACCTT-3'
Protein context (NP_006584.1, residues 22-42): SSYPHSGGSE[Leu32Ile]VLHDHPIIST

ClinVar aggregate classification (germline): Uncertain significance (1 of 4 stars; one submission).

Allele frequency attached by ClinVar (database versions not stated): gnomAD exomes below 0.00001; ExAC 0.00001.
gnomAD v4.1: 7 of 1,614,128 alleles (0.00043%); highest among the groups gnomAD compares: East Asian, 0.016%; no homozygotes.

Submission:

CeGaT Center for Human Genetics Tuebingen
Classification: Uncertain significance. Last evaluated: 2023-09-01. Review status: criteria provided, single submitter. Criteria: CeGaT Center For Human Genetics Tuebingen Variant Classification Criteria Version 2. Collection method: clinical testing. Allele origin: germline. Affected: yes. Observed: 1 variant allele.
Comment: TBR1: PP2